The following is an entry in ClinVar:

NM_002661.5(PLCG2):c.413C>T (p.Thr138Met)

Gene: PLCG2 (phospholipase C gamma 2; plus strand). Cytogenetic location: 16q23.3.
Variant type: single nucleotide variant.
Coding change: c.413C>T on transcript NM_002661.5 (MANE Select); coding-DNA position 413, C replaced by T.
Protein change: p.Thr138Met; replaces threonine 138 with methionine.
Molecular consequence: missense variant.
Genome position (GRCh38, 1-based): chr16:81,858,338, C>T. VCF-style: chr16-81858338-C-T. GRCh37 (hg19) VCF-style: chr16-81891943-C-T.
Other names: c.413C>T, p.Thr138Met (NM_001425749.1, NM_001425750.1, NM_001425751.1); short protein forms T138M.
Identifiers: ClinVar variation 2759040 (VCV002759040.4), dbSNP rs771121259, ClinGen allele CA8193172.
Genomic context (GRCh38, chr16:81,858,338, plus strand): 5'-ATGCAGTTAACTGGCTCTCTGGCTTGAAAATCTTACACCAGGAAGCGATGAATGCGTCCA[C>T]GCCCACCATTATCGAGAGGTAGTTGGCTTTTGCCTGTTGATTTGCGTAGTTGCTGATTCC-3'
Protein context (NP_002652.2, residues 128-148): ILHQEAMNAS[Thr138Met]PTIIESWLRK

ClinVar aggregate classification (germline): Uncertain significance. Review status: criteria provided, multiple submitters, no conflicts (2 of 4 stars). 2 submissions from 2 submitters: Uncertain significance (2). Last evaluated 2022-11-15.

Conditions:
Familial cold autoinflammatory syndrome 3 (FCAS3). Also called: FAMILIAL ATYPICAL COLD URTICARIA; ANTIBODY DEFICIENCY AND IMMUNE DYSREGULATION, PLCG2-ASSOCIATED. Identifiers: Orphanet 300359, MedGen C3280914, MONDO:0013766, OMIM 614468.

Allele frequency attached by ClinVar (database versions not stated): gnomAD 0.00001; TOPMed 0.00001; ExAC 0.00002; gnomAD exomes 0.00002.
gnomAD v4.1: 29 of 1,612,996 alleles (0.0018%); highest among the groups gnomAD compares: East Asian, 0.0045%; no homozygotes.

Submissions (2):

Labcorp Genetics (formerly Invitae), Labcorp
Classification: Uncertain significance for Familial cold autoinflammatory syndrome 3. Last evaluated: 2022-11-15. Review status: criteria provided, single submitter. Criteria: Invitae Variant Classification Sherloc (09022015). Collection method: clinical testing. Allele origin: germline.
Comment: This sequence change replaces threonine, which is neutral and polar, with methionine, which is neutral and non-polar, at codon 138 of the PLCG2 protein (p.Thr138Met). This variant is present in population databases (rs771121259, gnomAD 0.006%). This variant has not been reported in the literature in individuals affected with PLCG2-related conditions. Algorithms developed to predict the effect of missense changes on protein structure and function are either unavailable or do not agree on the potential impact of this missense change (SIFT: "Deleterious"; PolyPhen-2: "Probably Damaging"; Align-GVGD: "Class C0"). In summary, the available evidence is currently insufficient to determine the role of this variant in disease. Therefore, it has been classified as a Variant of Uncertain Significance.

Blueprint Genetics
Classification: Uncertain significance. Last evaluated: 2022-05-11. Review status: criteria provided, single submitter. Criteria: ACMG Guidelines, 2015. Collection method: clinical testing. Allele origin: germline.